The following is an entry in ClinVar:

NM_004329.3(BMPR1A):c.1464C>G (p.Asn488Lys)

Gene: BMPR1A (bone morphogenetic protein receptor type 1A; plus strand). Cytogenetic location: 10q23.2.
Variant type: single nucleotide variant.
Coding change: c.1464C>G on transcript NM_004329.3 (MANE Select); coding-DNA position 1464, C replaced by G.
Protein change: p.Asn488Lys; replaces asparagine 488 with lysine.
Molecular consequence: missense variant. On other transcripts: non-coding transcript variant (3).
Genome position (GRCh38, 1-based): chr10:86,923,497, C>G. VCF-style: chr10-86923497-C-G. GRCh37 (hg19) VCF-style: chr10-88683254-C-G.
Other names: c.1464C>G, p.Asn488Lys (NM_001406567.1, NM_001406568.1, NM_001406571.1 and 19 more transcripts); c.1380C>G, p.Asn460Lys (NM_001406584.1, NM_001406585.1, NM_001406586.1 and 2 more transcripts); c.1539C>G, p.Asn513Lys (NM_001406559.1); c.1512C>G, p.Asn504Lys (NM_001406560.1); c.1458C>G, p.Asn486Lys (NM_001406583.1); c.1122C>G, p.Asn374Lys (NM_001406589.1); short protein forms N504K, N488K, N374K, N460K, N486K, N513K.
Identifiers: ClinVar variation 2751153 (VCV002751153.3), dbSNP rs2133622374, ClinGen allele CA377463222.

ClinVar aggregate classification (germline): Uncertain significance (1 of 4 stars; one submission).

Conditions:
Juvenile polyposis syndrome (JPS). Identifiers: Orphanet 2929, MedGen C0345893, MONDO:0017380, OMIM 174900.

Submission:

Labcorp Genetics (formerly Invitae), Labcorp
Classification: Uncertain significance for Juvenile polyposis syndrome. Last evaluated: 2023-08-08. Review status: criteria provided, single submitter. Criteria: Invitae Variant Classification Sherloc (09022015). Collection method: clinical testing. Allele origin: germline.
Comment: This sequence change replaces asparagine, which is neutral and polar, with lysine, which is basic and polar, at codon 488 of the BMPR1A protein (p.Asn488Lys). This variant is not present in population databases (gnomAD no frequency). This variant has not been reported in the literature in individuals affected with BMPR1A-related conditions. Advanced modeling of protein sequence and biophysical properties (such as structural, functional, and spatial information, amino acid conservation, physicochemical variation, residue mobility, and thermodynamic stability) performed at Invitae indicates that this missense variant is not expected to disrupt BMPR1A protein function. In summary, the available evidence is currently insufficient to determine the role of this variant in disease. Therefore, it has been classified as a Variant of Uncertain Significance.